The following is an entry in ClinVar:

ClinVar aggregate classification (germline): Uncertain significance. Review status: criteria provided, multiple submitters, no conflicts (2 of 4 stars). 2 submissions from 2 submitters: Uncertain significance (2). Last evaluated 2024-06-05.

Conditions:
Pulmonary hypertension, primary, 4. Identifiers: Orphanet 422, MedGen C3809198, MONDO:0014136, OMIM 615344.

Allele frequency attached by ClinVar (database versions not stated): gnomAD exomes below 0.00001 and 0.00002; gnomAD 0.00001.
gnomAD v4.1: 3 of 1,417,574 alleles (0.00021%); highest among the groups gnomAD compares: Non-Finnish European, 0.00028%; no homozygotes.

Submissions (2):

Blueprint Genetics
Classification: Uncertain significance. Last evaluated: 2024-06-05. Review status: criteria provided, single submitter. Criteria: ACMG Guidelines, 2015. Collection method: clinical testing. Allele origin: germline.

Labcorp Genetics (formerly Invitae), Labcorp
Classification: Uncertain significance for Pulmonary hypertension, primary, 4. Last evaluated: 2022-02-03. Review status: criteria provided, single submitter. Criteria: Invitae Variant Classification Sherloc (09022015). Collection method: clinical testing. Allele origin: germline.
Comment: This variant is present in population databases (no rsID available, gnomAD 0.007%). This variant has not been reported in the literature in individuals affected with KCNK3-related conditions. ClinVar contains an entry for this variant (Variation ID: 474319). Algorithms developed to predict the effect of missense changes on protein structure and function (SIFT, PolyPhen-2, Align-GVGD) all suggest that this variant is likely to be tolerated. In summary, the available evidence is currently insufficient to determine the role of this variant in disease. Therefore, it has been classified as a Variant of Uncertain Significance. This sequence change replaces valine, which is neutral and non-polar, with alanine, which is neutral and non-polar, at codon 6 of the KCNK3 protein (p.Val6Ala).

NM_002246.3(KCNK3):c.17T>C (p.Val6Ala)

Gene: KCNK3 (potassium two pore domain channel subfamily K member 3; plus strand). Cytogenetic location: 2p23.3.
Variant type: single nucleotide variant.
Coding change: c.17T>C on transcript NM_002246.3 (MANE Select); coding-DNA position 17, T replaced by C.
Protein change: p.Val6Ala; replaces valine 6 with alanine.
Molecular consequence: missense variant.
Genome position (GRCh38, 1-based): chr2:26,692,892, T>C. VCF-style: chr2-26692892-T-C. GRCh37 (hg19) VCF-style: chr2-26915760-T-C.
Other names: short protein forms V6A.
Identifiers: ClinVar variation 474319 (VCV000474319.9), dbSNP rs1226314697, ClinGen allele CA346260851.